The following is an entry in ClinVar:

NM_000426.4(LAMA2):c.7490_7493dup (p.Asp2498fs)

Gene: LAMA2 (laminin subunit alpha 2; plus strand). Cytogenetic location: 6q22.33.
Variant type: Duplication.
Coding change: c.7490_7493dup on transcript NM_000426.4 (MANE Select); coding-DNA positions 7490 to 7493, 4 bases duplicated (AAGA; older notation c.7490_7493dupAAGA).
Protein change: p.Asp2498fs; shifts the reading frame from aspartic acid 2498.
Molecular consequence: frameshift variant.
Genome position (GRCh38, 1-based): chr6:129,478,731-129,478,734, AAGA duplicated; duplicating any 4 consecutive bases within chr6:129,478,730-129,478,734 gives the same sequence; the c. name uses the placement nearest the transcript's 3' end. VCF-style (leftmost placement, unchanged base first): chr6-129478729-C-CAAAG. GRCh37 (hg19) VCF-style: chr6-129799874-C-CAAAG.
Other names: c.7490_7493dupAAGA (NM_000426.3); c.7490_7493dup (NM_000426.3); c.7478_7481dup, p.Asp2494fs (NM_001079823.2); short protein forms D2494fs, D2498fs.
Identifiers: ClinVar variation 558356 (VCV000558356.11), dbSNP rs1480934961, ClinGen allele CA570055725.

ClinVar aggregate classification (germline): Pathogenic. Review status: criteria provided, multiple submitters, no conflicts (2 of 4 stars). 5 submissions from 5 submitters: Pathogenic (4). 1 of the submissions does not count toward it. Last evaluated 2025-08-29.

Conditions:
Merosin deficient congenital muscular dystrophy (MDC1A). Also called: Congenital merosin-deficient muscular dystrophy 1A; Congenital Muscular Dystrophy Type 1A (MDC1A). Identifiers: Orphanet 258, MedGen C1263858, MONDO:0011925, OMIM 607855.
Muscular dystrophy, limb-girdle, autosomal recessive 23. Identifiers: Orphanet 565837, MedGen C4748327, MONDO:0029136, OMIM 618138.
LAMA2-related muscular dystrophy (LAMA2-RD). Also called: Laminin alpha 2-related dystrophy. Identifiers: MedGen C5679788, MONDO:0100228.

Submissions (5):

GeneDx
Classification: Pathogenic. Last evaluated: 2025-08-29. Review status: criteria provided, single submitter. Criteria: GeneDx Variant Classification Process June 2021. Collection method: clinical testing. Allele origin: germline. Affected: yes.
Comment: Observed with a second LAMA2 variant in a patient with congenital muscular dystrophy (PMID: 18700894); Frameshift variant predicted to result in protein truncation or nonsense mediated decay in a gene for which loss of function is a known mechanism of disease; Not observed at significant frequency in large population cohorts (gnomAD); This variant is associated with the following publications: (PMID: 25124546, 18700894)

3billion
Classification: Pathogenic for Muscular dystrophy, limb-girdle, autosomal recessive 23. Last evaluated: 2025-05-26. Review status: criteria provided, single submitter. Criteria: ACMG Guidelines, 2015. Collection method: clinical testing. Allele origin: germline. Affected: yes.
Comment: The variant is observed at an extremely low frequency in the gnomAD v4.1.0 dataset (total allele frequency: <0.001%). Predicted Consequence/Location: Frameshift: predicted to result in a loss or disruption of normal protein function through nonsense-mediated decay (NMD) or protein truncation. Multiple pathogenic variants are reported downstream of the variant. The variant has been reported at least twice as pathogenic without evidence for the classification (ClinVar ID: VCV000558356 /PMID: 18700894). Therefore, this variant is classified as Pathogenic according to the recommendation of ACMG/AMP guideline.

Fulgent Genetics
Classification: Pathogenic for Merosin deficient congenital muscular dystrophy; Muscular dystrophy, limb-girdle, autosomal recessive 23. Last evaluated: 2024-02-28. Review status: criteria provided, single submitter. Criteria: ACMG Guidelines, 2015. Collection method: clinical testing. Allele origin: germline.

Labcorp Genetics (formerly Invitae), Labcorp
Classification: Pathogenic for LAMA2-related muscular dystrophy. Last evaluated: 2023-01-17. Review status: criteria provided, single submitter. Criteria: Invitae Variant Classification Sherloc (09022015). Collection method: clinical testing. Allele origin: germline.
Comment: This premature translational stop signal has been observed in individual(s) with congenital muscular dystrophy (PMID: 18700894, 25124546). For these reasons, this variant has been classified as Pathogenic. ClinVar contains an entry for this variant (Variation ID: 558356). This variant is present in population databases (no rsID available, gnomAD 0.007%). This sequence change creates a premature translational stop signal (p.Asp2498Glufs*4) in the LAMA2 gene. It is expected to result in an absent or disrupted protein product. Loss-of-function variants in LAMA2 are known to be pathogenic (PMID: 18700894, 32904964).

Counsyl
Classification: Pathogenic for Merosin deficient congenital muscular dystrophy. Last evaluated: 2018-05-15. Review status: no assertion criteria provided. Collection method: clinical testing. Allele origin: unknown. Not counted in ClinVar's aggregate classification.

Literature cited by the submitters: PubMed 18700894 (cited by 3 submitters); PubMed 25124546 (cited by Labcorp Genetics (formerly Invitae), Labcorp and Counsyl); PubMed 32904964 (cited by Labcorp Genetics (formerly Invitae), Labcorp).